The following is an entry in ClinVar:

ClinVar aggregate classification (germline): Uncertain significance (1 of 4 stars; one submission).

Conditions:
Inborn genetic diseases. Identifiers: MedGen C0950123, MeSH D030342.

Submission:

Ambry Genetics
Classification: Uncertain significance for Inborn genetic diseases. Last evaluated: 2026-03-03. Review status: criteria provided, single submitter. Criteria: Ambry Variant Classification Scheme 2023. Collection method: clinical testing. Allele origin: germline.
Comment: The p.M1861T variant (also known as c.5582T>C), located in coding exon 21 of the FANCM gene, results from a T to C substitution at nucleotide position 5582. The methionine at codon 1861 is replaced by threonine, an amino acid with similar properties. This amino acid position is conserved. In addition, the in silico prediction for this alteration is inconclusive. Based on the available evidence, the clinical significance of this variant remains unclear.

NM_020937.4(FANCM):c.5582T>C (p.Met1861Thr)

Gene: FANCM (FA complementation group M; plus strand). Cytogenetic location: 14q21.2.
Variant type: single nucleotide variant.
Coding change: c.5582T>C on transcript NM_020937.4 (MANE Select); coding-DNA position 5582, T replaced by C.
Protein change: p.Met1861Thr; replaces methionine 1861 with threonine.
Molecular consequence: missense variant.
Genome position (GRCh38, 1-based): chr14:45,196,413, T>C. VCF-style: chr14-45196413-T-C. GRCh37 (hg19) VCF-style: chr14-45665616-T-C.
Other names: c.5504T>C, p.Met1835Thr (NM_001308133.2); short protein forms M1861T, M1835T.
Identifiers: ClinVar variation 4826014 (VCV004826014.1).